The following is an entry in ClinVar:

ClinVar aggregate classification (germline): Likely benign (1 of 4 stars; one submission).

Conditions:
Juvenile polyposis/hereditary hemorrhagic telangiectasia syndrome (JPHT). Also called: JP/HHT SYNDROME; JUVENILE POLYPOSIS WITH HEREDITARY HEMORRHAGIC TELANGIECTASIA; POLYPOSIS, GENERALIZED JUVENILE, WITH PULMONARY ARTERIOVENOUS MALFORMATION; TELANGIECTASIA, HEREDITARY HEMORRHAGIC, WITH JUVENILE POLYPOSIS COLI; Juvenile Polyposis Syndrome / Hereditary Hemorrhagic Telangiectasia (JPS/HHT). Identifiers: Orphanet 2929, MedGen C1832942, MONDO:0008278, OMIM 175050.

Submission:

Myriad Genetics, Inc.
Classification: Likely benign for Juvenile polyposis/hereditary hemorrhagic telangiectasia syndrome. Last evaluated: 2025-03-19. Review status: criteria provided, single submitter. Criteria: Myriad Autosomal Dominant, Autosomal Recessive and X-Linked Classification Criteria (2023). Collection method: clinical testing. Allele origin: unknown.
Comment: This variant is considered likely benign. This variant is intronic and is not expected to impact mRNA splicing.

NM_005359.6(SMAD4):c.667+8C>G

Gene: SMAD4 (SMAD family member 4; plus strand). Cytogenetic location: 18q21.2.
Variant type: single nucleotide variant.
Coding change: c.667+8C>G on transcript NM_005359.6 (MANE Select); 8 bases into the intron after coding-DNA position 667, C replaced by G.
Molecular consequence: intron variant.
Genome position (GRCh38, 1-based): chr18:51,055,001, C>G. VCF-style: chr18-51055001-C-G. GRCh37 (hg19) VCF-style: chr18-48581371-C-G.
Other names: c.667+8C>G (NM_001407042.1, NM_001407041.1, NM_001407043.1).
Identifiers: ClinVar variation 3904209 (VCV003904209.1).